The following is an entry in ClinVar:

ClinVar aggregate classification (germline): Uncertain significance (1 of 4 stars; one submission).

gnomAD v4.1: 2 of 1,614,142 alleles (0.00012%); highest among the groups gnomAD compares: Non-Finnish European, 0.00017%; no homozygotes.

Submission:

Labcorp Genetics (formerly Invitae), Labcorp
Classification: Uncertain significance. Last evaluated: 2022-07-25. Review status: criteria provided, single submitter. Criteria: Invitae Variant Classification Sherloc (09022015). Collection method: clinical testing. Allele origin: germline.
Comment: In summary, the available evidence is currently insufficient to determine the role of this variant in disease. Therefore, it has been classified as a Variant of Uncertain Significance. Algorithms developed to predict the effect of missense changes on protein structure and function are either unavailable or do not agree on the potential impact of this missense change (SIFT: "Deleterious"; PolyPhen-2: "Probably Damaging"; Align-GVGD: "Class C0"). This sequence change replaces lysine, which is basic and polar, with asparagine, which is neutral and polar, at codon 460 of the RP1 protein (p.Lys460Asn). This variant is not present in population databases (gnomAD no frequency). This variant has not been reported in the literature in individuals affected with RP1-related conditions.

NM_006269.2(RP1):c.1380G>T (p.Lys460Asn)

Gene: RP1 (RP1 axonemal microtubule associated; plus strand). Cytogenetic location: 8q12.1.
Variant type: single nucleotide variant.
Coding change: c.1380G>T on transcript NM_006269.2 (MANE Select); coding-DNA position 1380, G replaced by T.
Protein change: p.Lys460Asn; replaces lysine 460 with asparagine.
Molecular consequence: missense variant. On other transcripts: intron variant (1).
Genome position (GRCh38, 1-based): chr8:54,625,262, G>T. VCF-style: chr8-54625262-G-T. GRCh37 (hg19) VCF-style: chr8-55537822-G-T.
Other names: c.787+2974G>T (NM_001375654.1); short protein forms K460N.
Identifiers: ClinVar variation 1973659 (VCV001973659.5), dbSNP rs143494598, ClinGen allele CA370990154.